The following is an entry in ClinVar:

NM_198576.4(AGRN):c.3277G>A (p.Val1093Met)

Gene: AGRN (agrin; plus strand). Cytogenetic location: 1p36.33.
Variant type: single nucleotide variant.
Coding change: c.3277G>A on transcript NM_198576.4 (MANE Select); coding-DNA position 3277, G replaced by A.
Protein change: p.Val1093Met; replaces valine 1093 with methionine.
Molecular consequence: missense variant.
Genome position (GRCh38, 1-based): chr1:1,046,846, G>A. VCF-style: chr1-1046846-G-A. GRCh37 (hg19) VCF-style: chr1-982226-G-A.
Other names: c.3277G>A, p.Val1093Met (NM_001305275.2); c.2962G>A, p.Val988Met (NM_001364727.2); c.3277G>A (NM_198576.3); short protein forms V1093M, V988M.
Identifiers: ClinVar variation 1061868 (VCV001061868.10), dbSNP rs572261141, ClinGen allele CA509011.

ClinVar aggregate classification (germline): Uncertain significance. Review status: criteria provided, multiple submitters, no conflicts (2 of 4 stars). 2 submissions from 2 submitters: Uncertain significance (2). Last evaluated 2025-08-31.

Conditions:
Inborn genetic diseases. Identifiers: MedGen C0950123, MeSH D030342.
Congenital myasthenic syndrome 8. Also called: Myasthenic syndrome, congenital, 8, with pre- and postsynaptic defects; MYASTHENIC SYNDROME, CONGENITAL, DUE TO AGRIN DEFICIENCY. Identifiers: Orphanet 590, MedGen C3808739, MONDO:0014052, OMIM 615120.

Allele frequency attached by ClinVar (database versions not stated): gnomAD 0.00001; ExAC 0.00005.
gnomAD v4.1: 7 of 1,586,522 alleles (0.00044%); highest among the groups gnomAD compares: East Asian, 0.0068%; no homozygotes.

Submissions (2):

Ambry Genetics
Classification: Uncertain significance for Inborn genetic diseases. Last evaluated: 2025-08-31. Review status: criteria provided, single submitter. Criteria: Ambry Variant Classification Scheme 2023. Collection method: clinical testing. Allele origin: germline.

Labcorp Genetics (formerly Invitae), Labcorp
Classification: Uncertain significance for Congenital myasthenic syndrome 8. Last evaluated: 2025-06-16. Review status: criteria provided, single submitter. Criteria: Invitae Variant Classification Sherloc (09022015). Collection method: clinical testing. Allele origin: germline.
Comment: This sequence change replaces valine, which is neutral and non-polar, with methionine, which is neutral and non-polar, at codon 1093 of the AGRN protein (p.Val1093Met). The frequency data for this variant in the population databases is considered unreliable, as metrics indicate poor data quality at this position in the gnomAD database. This variant has not been reported in the literature in individuals affected with AGRN-related conditions. ClinVar contains an entry for this variant (Variation ID: 1061868). An algorithm developed to predict the effect of missense changes on protein structure and function outputs the following: PolyPhen-2: "Benign". The methionine amino acid residue is found in multiple mammalian species, which suggests that this missense change does not adversely affect protein function. In summary, the available evidence is currently insufficient to determine the role of this variant in disease. Therefore, it has been classified as a Variant of Uncertain Significance.